The following is an entry in ClinVar:

NM_000038.6(APC):c.3343G>A (p.Val1115Met)

Gene: APC (APC regulator of Wnt signaling pathway; plus strand). Cytogenetic location: 5q22.2.
Variant type: single nucleotide variant.
Coding change: c.3343G>A on transcript NM_000038.6 (MANE Select); coding-DNA position 3343, G replaced by A.
Protein change: p.Val1115Met; replaces valine 1115 with methionine.
Molecular consequence: missense variant.
Genome position (GRCh38, 1-based): chr5:112,838,937, G>A. VCF-style: chr5-112838937-G-A. GRCh37 (hg19) VCF-style: chr5-112174634-G-A.
Other names: c.3166G>A, p.Val1056Met (NM_001354901.2); c.3070G>A, p.Val1024Met (NM_001354902.2); c.3040G>A, p.Val1014Met (NM_001354903.2); c.2965G>A, p.Val989Met (NM_001354904.2); c.2863G>A, p.Val955Met (NM_001354905.2); c.2494G>A, p.Val832Met (NM_001354906.2); c.3343G>A, p.Val1115Met (NM_001127510.3, NM_001354895.2); c.3289G>A, p.Val1097Met (NM_001127511.3); and 5 more; short protein forms V1097M, V1115M, V1090M, V1125M, V989M, V1014M, V1024M, V1056M.
Identifiers: ClinVar variation 411517 (VCV000411517.53), dbSNP rs763392909, ClinGen allele CA035105.

ClinVar aggregate classification (germline): Uncertain significance. Review status: criteria provided, multiple submitters, no conflicts (2 of 4 stars). 2 submissions from 2 submitters: Uncertain significance (2). Last evaluated 2025-12-16.

Conditions:
Familial adenomatous polyposis 1 (FAP1). Also called: FAMILIAL ADENOMATOUS POLYPOSIS 1, ATTENUATED; POLYPOSIS, ADENOMATOUS INTESTINAL. Identifiers: MedGen C2713442, MONDO:0021056, OMIM 175100. Disease mechanism: loss of function.
Hereditary cancer-predisposing syndrome. Also called: Neoplastic Syndromes, Hereditary; Tumor predisposition; Hereditary neoplastic syndrome; Hereditary Cancer Syndrome. Identifiers: Orphanet 140162, MedGen C0027672, MeSH D009386, MONDO:0015356.

Allele frequency attached by ClinVar (database versions not stated): gnomAD exomes below 0.00001; ExAC 0.00001.
gnomAD v4.1: 6 of 1,614,080 alleles (0.00037%); highest among the groups gnomAD compares: African/African-American, 0.0013%; no homozygotes.

Submissions (2):

Ambry Genetics
Classification: Uncertain significance for Hereditary cancer-predisposing syndrome. Last evaluated: 2025-12-16. Review status: criteria provided, single submitter. Criteria: Ambry Variant Classification Scheme 2023. Collection method: clinical testing. Allele origin: germline.

Labcorp Genetics (formerly Invitae), Labcorp
Classification: Uncertain significance for Familial adenomatous polyposis 1. Last evaluated: 2018-01-27. Review status: criteria provided, single submitter. Criteria: Invitae Variant Classification Sherloc (09022015). Collection method: clinical testing. Allele origin: germline.
Comment: In summary, the available evidence is currently insufficient to determine the role of this variant in disease. Therefore, it has been classified as a Variant of Uncertain Significance. Algorithms developed to predict the effect of missense changes on protein structure and function output the following: SIFT: "Tolerated"; PolyPhen-2: "Benign"; Align-GVGD: "Class C0". The methionine amino acid residue is found in multiple mammalian species, suggesting that this missense change does not adversely affect protein function. These predictions have not been confirmed by published functional studies and their clinical significance is uncertain. This variant has not been reported in the literature in individuals with APC-related disease. ClinVar contains an entry for this variant (Variation ID: 411517). This variant is present in population databases (rs763392909, ExAC 0.01%). This sequence change replaces valine with methionine at codon 1115 of the APC protein (p.Val1115Met). The valine residue is moderately conserved and there is a small physicochemical difference between valine and methionine.